The following is an entry in ClinVar:

ClinVar aggregate classification (germline): Pathogenic (1 of 4 stars; one submission).

Conditions:
Neurofibromatosis, type 1 (NF1). Also called: Neurofibromatosis, type I; NEUROFIBROMATOSIS, TYPE I, SOMATIC; Peripheral type neurofibromatosis; VON RECKLINGHAUSEN DISEASE. Identifiers: Orphanet 636, MedGen C0027831, MONDO:0018975, OMIM 162200. Disease mechanism: loss of function.

Submission:

Labcorp Genetics (formerly Invitae), Labcorp
Classification: Pathogenic for Neurofibromatosis, type 1. Last evaluated: 2016-04-15. Review status: criteria provided, single submitter. Criteria: Invitae Variant Classification Sherloc (09022015). Collection method: clinical testing. Allele origin: germline.
Comment: For these reasons, this variant has been classified as Pathogenic. While this particular variant has not been reported in the literature, truncating variants in NF1 are known to be pathogenic (PMID: 10712197, 23913538). This sequence change inserts 4 nucleotides in exon 13 of the NF1 mRNA (c.1469_1470insTTAT), causing a frameshift at codon 490. This creates a premature translational stop signal (p.Lys490Asnfs*22) and is expected to result in an absent or disrupted protein product.

Literature cited by the submitters: PubMed 10712197; PubMed 23913538.

NM_001042492.3(NF1):c.1469_1470insTTAT (p.Lys490fs)

Gene: NF1 (neurofibromin 1; plus strand). Cytogenetic location: 17q11.2.
Variant type: Insertion.
Coding change: c.1469_1470insTTAT on transcript NM_001042492.3 (MANE Select); coding-DNA positions 1469 to 1470, TTAT inserted.
Protein change: p.Lys490fs; shifts the reading frame from lysine 490.
Molecular consequence: frameshift variant.
Genome position: GRCh38 VCF-style: chr17-31214527-A-ATTAT. GRCh37 (hg19) VCF-style: chr17-29541545-A-ATTAT.
Other names: c.1469_1470insTTAT, p.Lys490Asnfs (NM_000267.4); c.1469_1470insTTAT, p.Lys490fs (NM_001128147.3); short protein forms K490fs.
Identifiers: ClinVar variation 404503 (VCV000404503.5), dbSNP rs1060500307, ClinGen allele CA16615161.